The following is an entry in ClinVar:

NM_002439.5(MSH3):c.494A>C (p.Lys165Thr)

Gene: MSH3 (mutS homolog 3; plus strand). Cytogenetic location: 5q14.1.
Variant type: single nucleotide variant.
Coding change: c.494A>C on transcript NM_002439.5 (MANE Select); coding-DNA position 494, A replaced by C.
Protein change: p.Lys165Thr; replaces lysine 165 with threonine.
Molecular consequence: missense variant.
Genome position (GRCh38, 1-based): chr5:80,665,278, A>C. VCF-style: chr5-80665278-A-C. GRCh37 (hg19) VCF-style: chr5-79961097-A-C.
Other names: short protein forms K165T.
Identifiers: ClinVar variation 2723910 (VCV002723910.3), dbSNP rs2546717502, ClinGen allele CA360263873.

ClinVar aggregate classification (germline): Uncertain significance (1 of 4 stars; one submission).

Submission:

Labcorp Genetics (formerly Invitae), Labcorp
Classification: Uncertain significance. Last evaluated: 2025-10-12. Review status: criteria provided, single submitter. Criteria: Invitae Variant Classification Sherloc (09022015). Collection method: clinical testing. Allele origin: germline.
Comment: This sequence change replaces lysine, which is basic and polar, with threonine, which is neutral and polar, at codon 165 of the MSH3 protein (p.Lys165Thr). This variant is not present in population databases (gnomAD no frequency). This variant has not been reported in the literature in individuals affected with MSH3-related conditions. ClinVar contains an entry for this variant (Variation ID: 2723910). An algorithm developed to predict the effect of missense changes on protein structure and function (PolyPhen-2) suggests that this variant is likely to be disruptive. In summary, the available evidence is currently insufficient to determine the role of this variant in disease. Therefore, it has been classified as a Variant of Uncertain Significance.